The following is an entry in ClinVar:

NM_001384732.1(CPLANE1):c.718C>T (p.His240Tyr)

Gene: CPLANE1 (ciliogenesis and planar polarity effector complex subunit 1; minus strand). Cytogenetic location: 5p13.2.
Variant type: single nucleotide variant.
Coding change: c.718C>T on transcript NM_001384732.1 (MANE Select); coding-DNA position 718, C replaced by T.
Protein change: p.His240Tyr; replaces histidine 240 with tyrosine.
Molecular consequence: missense variant.
Genome position (GRCh38, 1-based): chr5:37,239,829, G>A on the plus strand (C>T on the coding strand, the complement: CPLANE1 is on the minus strand). VCF-style: chr5-37239829-G-A. GRCh37 (hg19) VCF-style: chr5-37239931-G-A.
Other names: c.718C>T, p.His240Tyr (NM_023073.4); c.718C>T (NM_023073.3); short protein forms H240Y.
Identifiers: ClinVar variation 2053088 (VCV002053088.6), dbSNP rs778771073, ClinGen allele CA117066271.

ClinVar aggregate classification (germline): Uncertain significance. Review status: criteria provided, multiple submitters, no conflicts (2 of 4 stars). 3 submissions from 3 submitters: Uncertain significance (3). Last evaluated 2024-09-11.

Conditions:
Orofaciodigital syndrome type 6 (OFD6). Also called: OROFACIODIGITAL SYNDROME VI; OFDS VI; POLYDACTYLY, CLEFT LIP/PALATE OR LINGUAL LUMP, AND PSYCHOMOTOR RETARDATION; VARADI SYNDROME; VARADI-PAPP SYNDROME; Oral-facial-digital syndrome type 6. Identifiers: Orphanet 2754, MedGen C2745997, MONDO:0010176, OMIM 277170.
Joubert syndrome 17 (JBTS17). Identifiers: Orphanet 475, MedGen C3553264, MONDO:0013824, OMIM 614615.

Allele frequency attached by ClinVar (database versions not stated): gnomAD 0.00001; TOPMed 0.00001; gnomAD exomes 0.00003.
gnomAD v4.1: 45 of 1,539,830 alleles (0.0029%); highest among the groups gnomAD compares: Middle Eastern, 0.034%; no homozygotes.

Submissions (3):

Blueprint Genetics
Classification: Uncertain significance. Last evaluated: 2024-09-11. Review status: criteria provided, single submitter. Criteria: ACMG Guidelines, 2015. Collection method: clinical testing. Allele origin: germline.

Fulgent Genetics
Classification: Uncertain significance for Orofaciodigital syndrome type 6; Joubert syndrome 17. Last evaluated: 2024-01-30. Review status: criteria provided, single submitter. Criteria: ACMG Guidelines, 2015. Collection method: clinical testing. Allele origin: germline.

Labcorp Genetics (formerly Invitae), Labcorp
Classification: Uncertain significance. Last evaluated: 2023-12-21. Review status: criteria provided, single submitter. Criteria: Invitae Variant Classification Sherloc (09022015). Collection method: clinical testing. Allele origin: germline.
Comment: This sequence change replaces histidine, which is basic and polar, with tyrosine, which is neutral and polar, at codon 240 of the CPLANE1 protein (p.His240Tyr). This variant is present in population databases (rs778771073, gnomAD 0.007%). This variant has not been reported in the literature in individuals affected with CPLANE1-related conditions. ClinVar contains an entry for this variant (Variation ID: 2053088). Advanced modeling of protein sequence and biophysical properties (such as structural, functional, and spatial information, amino acid conservation, physicochemical variation, residue mobility, and thermodynamic stability) performed at Invitae indicates that this missense variant is not expected to disrupt CPLANE1 protein function with a negative predictive value of 95%. Algorithms developed to predict the effect of sequence changes on RNA splicing suggest that this variant may disrupt the consensus splice site. In summary, the available evidence is currently insufficient to determine the role of this variant in disease. Therefore, it has been classified as a Variant of Uncertain Significance.